The following is an entry in ClinVar:

ClinVar aggregate classification (germline): Pathogenic/Likely pathogenic. Review status: criteria provided, multiple submitters, no conflicts (2 of 4 stars). 5 submissions from 5 submitters: Pathogenic (2); Likely pathogenic (2). 1 of the submissions does not count toward it. Last evaluated 2024-10-21.

Conditions:
TTN-related disorder. Also called: TTN-related disorders; TTN-related condition; TTN-related disease.
Dilated cardiomyopathy 1G (CMD1G). Identifiers: Orphanet 154, MedGen C1858763, MONDO:0011400, OMIM 604145.
Autosomal recessive limb-girdle muscular dystrophy type 2J (LGMDR10). Also called: MUSCULAR DYSTROPHY, LIMB-GIRDLE, AUTOSOMAL RECESSIVE 10; Limb-girdle muscular dystrophy, type 2J. Identifiers: Orphanet 140922, MedGen C1837342, MONDO:0012127, OMIM 608807.
Primary dilated cardiomyopathy (DCM). Also called: Dilated Cardiomyopathy. Identifiers: Orphanet 217604, MedGen C0007193, MeSH D002311, MONDO:0005021, HP:0001644. Inheritance: Various modes of inheritance.

gnomAD v4.1: 2 of 1,612,204 alleles (0.00012%); highest among the groups gnomAD compares: Non-Finnish European, 0.000085%; no homozygotes.

Submissions (5):

GeneDx
Classification: Pathogenic. Last evaluated: 2024-10-21. Review status: criteria provided, single submitter. Criteria: GeneDx Variant Classification Process June 2021. Collection method: clinical testing. Allele origin: germline. Affected: yes.
Comment: Nonsense variant predicted to result in protein truncation or nonsense mediated decay in a gene for which loss of function is a known mechanism of disease; Not observed at significant frequency in large population cohorts (gnomAD); Has not been previously published as pathogenic or benign to our knowledge; This variant is associated with the following publications: (PMID: 22335739)

Labcorp Genetics (formerly Invitae), Labcorp
Classification: Likely pathogenic for Dilated cardiomyopathy 1G; Autosomal recessive limb-girdle muscular dystrophy type 2J. Last evaluated: 2023-08-20. Review status: criteria provided, single submitter. Criteria: Invitae Variant Classification Sherloc (09022015). Collection method: clinical testing. Allele origin: germline.
Comment: In summary, the currently available evidence indicates that the variant is pathogenic, but additional data are needed to prove that conclusively. Therefore, this variant has been classified as Likely Pathogenic. This variant is located in the A band of TTN (PMID: 25589632). Truncating variants in this region are significantly overrepresented in patients affected with dilated cardiomyopathy (PMID: 25589632). Truncating variants in this region have also been reported in individuals affected with autosomal recessive centronuclear myopathy (PMID: 23975875). ClinVar contains an entry for this variant (Variation ID: 165855). This variant has not been reported in the literature in individuals affected with TTN-related conditions. This variant is not present in population databases (gnomAD no frequency). This sequence change creates a premature translational stop signal (p.Trp23774*) in the TTN gene. While this is not anticipated to result in nonsense mediated decay, it is expected to create a truncated TTN protein.

Blueprint Genetics
Classification: Pathogenic for TTN-related disorders. Last evaluated: 2021-11-04. Review status: criteria provided, single submitter. Criteria: ACMG Guidelines, 2015. Collection method: clinical testing. Allele origin: germline. Affected: yes. Observed: 5 variant alleles.

Laboratory for Molecular Medicine, Mass General Brigham Personalized Medicine
Classification: Likely pathogenic for Primary dilated cardiomyopathy. Last evaluated: 2014-08-21. Review status: criteria provided, single submitter. Criteria: LMM Criteria. Collection method: clinical testing. Allele origin: germline. Inheritance: Autosomal dominant inheritance. Observed: 2 variant alleles.
Comment: The Trp21206X variant in TTN has not been previously reported in individuals wit h cardiomyopathy or in large population studies. This nonsense variant leads to a premature termination codon at position 21206, which is predicted to lead to a truncated or absent protein. Nonsense and other truncating variants in TTN are strongly associated with DCM and the majority occur in the A-band (Herman 2012, Pugh 2014), where this variant is located. In summary, although additional studi es are required to fully establish its clinical significance, the Trp21206X vari ant is likely pathogenic.

PreventionGenetics, part of Exact Sciences
Classification: Likely pathogenic for TTN-related condition. Last evaluated: 2024-05-01. Review status: no assertion criteria provided. Collection method: clinical testing. Allele origin: germline. Not counted in ClinVar's aggregate classification.
Comment: The TTN c.71321G>A variant is predicted to result in premature protein termination (p.Trp23774*). To our knowledge, this variant has not been reported in individuals with TTN-related disorders in the literature or in a large population database, indicating this variant is rare. This variant is located in the A-band region of the TTN protein and other truncating variants in this exon have previously been reported to be pathogenic for autosomal dominant and recessive TTN-related disorders, including dilated cardiomyopathy, centronuclear myopathy, and muscular dystrophy (Human Gene Mutation Database). RNAseq studies from heart tissue indicate this exon is commonly included in TTN mRNA transcripts (PSI of 95%-100%); however, this analysis in muscle tissue was not performed (Roberts et al. 2015. PMID: 25589632). TTN truncating variants are reported in 1-2% of presumably healthy individuals and occur more frequently in exons with low PSI values, indicating this variant is more likely to be disease causing (Herman et al. 2012. PMID: 22335739; Roberts et al. 2015. PMID: 25589632). In summary, this variant is interpreted as likely pathogenic for both autosomal dominant and recessive TTN-related disorders.

Literature cited by the submitters: PubMed 25589632 (cited by Labcorp Genetics (formerly Invitae), Labcorp); PubMed 23975875 (cited by Labcorp Genetics (formerly Invitae), Labcorp).

NM_001267550.2(TTN):c.71321G>A (p.Trp23774Ter)

Genes: TTN-AS1 (TTN antisense RNA 1; plus strand), TTN (titin; minus strand). Cytogenetic location: 2q31.2.
Variant type: single nucleotide variant.
Coding change: c.71321G>A on transcript NM_001267550.2 (MANE Select); coding-DNA position 71321, G replaced by A.
Protein change: p.Trp23774Ter; replaces tryptophan 23774 with a stop codon.
Molecular consequence: nonsense.
Genome position (GRCh38, 1-based): chr2:178,574,811, C>T on the plus strand (G>A on the coding strand, the complement: TTN is on the minus strand). VCF-style: chr2-178574811-C-T. GRCh37 (hg19) VCF-style: chr2-179439538-C-T.
Other names: p.W22133*:TGG>TAG; c.66398G>A, p.Trp22133Ter (NM_001256850.1); c.44126G>A, p.Trp14709Ter (NM_003319.4); c.63617G>A, p.Trp21206Ter (NM_133378.4); c.44501G>A, p.Trp14834Ter (NM_133432.3); c.44702G>A, p.Trp14901Ter (NM_133437.4); short protein forms W21206*, W23774*, W22133*, W14901*, W14709*, W14834*.
Identifiers: ClinVar variation 165855 (VCV000165855.15), dbSNP rs727503567, ClinGen allele CA273256.
Genomic context (GRCh38, chr2:178,574,811, plus strand): 5'-CCAGTAGTAAGGCGGGTGGCTTTATAGGTAGTACGTATAACGGTGGTTGCTAACTCAACC[C>T]AGGTAGTACTGTCAGTCTGCCGCATTTCCACTACATAGTTGCTTATTGGTACACCACCAT-3'